The following is an entry in ClinVar:

ClinVar aggregate classification (germline): Uncertain significance (1 of 4 stars; one submission).

Submission:

Labcorp Genetics (formerly Invitae), Labcorp
Classification: Uncertain significance. Last evaluated: 2023-02-04. Review status: criteria provided, single submitter. Criteria: Invitae Variant Classification Sherloc (09022015). Collection method: clinical testing. Allele origin: germline.
Comment: In summary, the available evidence is currently insufficient to determine the role of this variant in disease. Therefore, it has been classified as a Variant of Uncertain Significance. Algorithms developed to predict the effect of missense changes on protein structure and function output the following: SIFT: "Tolerated"; PolyPhen-2: "Benign"; Align-GVGD: "Class C0". The arginine amino acid residue is found in multiple mammalian species, which suggests that this missense change does not adversely affect protein function. This variant has not been reported in the literature in individuals affected with OR2W3-related conditions. This variant is not present in population databases (gnomAD no frequency). This sequence change replaces histidine, which is basic and polar, with arginine, which is basic and polar, at codon 171 of the OR2W3 protein (p.His171Arg).

NM_001001957.2(OR2W3):c.512A>G (p.His171Arg)

Gene: OR2W3 (olfactory receptor family 2 subfamily W member 3; plus strand). Cytogenetic location: 1q44.
Variant type: single nucleotide variant.
Coding change: c.512A>G on transcript NM_001001957.2 (MANE Select); coding-DNA position 512, A replaced by G.
Protein change: p.His171Arg; replaces histidine 171 with arginine.
Molecular consequence: missense variant.
Genome position (GRCh38, 1-based): chr1:247,896,098, A>G. VCF-style: chr1-247896098-A-G. GRCh37 (hg19) VCF-style: chr1-248059400-A-G.
Other names: short protein forms H171R.
Identifiers: ClinVar variation 1920934 (VCV001920934.5), dbSNP rs2527688376, ClinGen allele CA345593837.
Genomic context (GRCh38, chr1:247,896,098, plus strand): 5'-GTGGGGTGGCCAACTCCTTGGCCATGTCTCCTGTGACCCTGCGCTTACCCCGCTGTGGGC[A>G]CCACGAGGTGGACCACTTCCTGCGTGAGATGCCCGCCCTGATCCGGATGGCCTGCGTCAG-3'
Protein context (NP_001001957.2, residues 161-181): PVTLRLPRCG[His171Arg]HEVDHFLREM